The following is an entry in ClinVar:

NM_000092.5(COL4A4):c.2533C>T (p.Pro845Ser)

Gene: COL4A4 (collagen type IV alpha 4 chain; minus strand). Cytogenetic location: 2q36.3.
Variant type: single nucleotide variant.
Coding change: c.2533C>T on transcript NM_000092.5 (MANE Select); coding-DNA position 2533, C replaced by T.
Protein change: p.Pro845Ser; replaces proline 845 with serine.
Molecular consequence: missense variant.
Genome position (GRCh38, 1-based): chr2:227,057,451, G>A on the plus strand (C>T on the coding strand, the complement: COL4A4 is on the minus strand). VCF-style: chr2-227057451-G-A. GRCh37 (hg19) VCF-style: chr2-227922167-G-A.
Other names: short protein forms P845S.
Identifiers: ClinVar variation 1906160 (VCV001906160.2), dbSNP rs775678728, ClinGen allele CA2144792.

ClinVar aggregate classification (germline): Uncertain significance (1 of 4 stars; one submission).

Allele frequency attached by ClinVar (database versions not stated): TOPMed 0.00001; ExAC 0.00002; gnomAD 0.00002.
gnomAD v4.1: 13 of 1,606,912 alleles (0.00081%); highest among the groups gnomAD compares: Non-Finnish European, 0.0011%; no homozygotes.

Submission:

Labcorp Genetics (formerly Invitae), Labcorp
Classification: Uncertain significance. Last evaluated: 2022-02-20. Review status: criteria provided, single submitter. Criteria: Invitae Variant Classification Sherloc (09022015). Collection method: clinical testing. Allele origin: germline.
Comment: This sequence change replaces proline, which is neutral and non-polar, with serine, which is neutral and polar, at codon 845 of the COL4A4 protein (p.Pro845Ser). This variant is present in population databases (rs775678728, gnomAD 0.001%). This variant has not been reported in the literature in individuals affected with COL4A4-related conditions. Advanced modeling of protein sequence and biophysical properties (such as structural, functional, and spatial information, amino acid conservation, physicochemical variation, residue mobility, and thermodynamic stability) performed at Invitae indicates that this missense variant is not expected to disrupt COL4A4 protein function. In summary, the available evidence is currently insufficient to determine the role of this variant in disease. Therefore, it has been classified as a Variant of Uncertain Significance.